The following is an entry in ClinVar:

ClinVar aggregate classification (germline): Uncertain significance (1 of 4 stars; one submission).

Submission:

Women's Health and Genetics/Laboratory Corporation of America, LabCorp
Classification: Uncertain significance. Last evaluated: 2023-08-10. Review status: criteria provided, single submitter. Criteria: LabCorp Variant Classification Summary - May 2015. Collection method: clinical testing. Allele origin: germline.
Comment: Variant summary: ATP7B c.2290T>C (p.Phe764Leu) results in a non-conservative amino acid change in the encoded protein sequence. Five of five in-silico tools predict a damaging effect of the variant on protein function. The variant was absent in 249564 control chromosomes (gnomAD). The available data on variant occurrences in the general population are insufficient to allow any conclusion about variant significance. c.2290T>C has been reported in the literature in individuals affected with Wilson Disease without evidence for causality (Singh_2019). This report does not provide unequivocal conclusions about association of the variant with Wilson Disease. To our knowledge, no experimental evidence demonstrating an impact on protein function has been reported. The following publication has been ascertained in the context of this evaluation (PMID: 31059521). No submitters have cited clinical-significance assessments for this variant to ClinVar after 2014. Based on the evidence outlined above, the variant was classified as uncertain significance.

Literature cited by the submitters: PubMed 31059521.

NM_000053.4(ATP7B):c.2290T>C (p.Phe764Leu)

Gene: ATP7B (ATPase copper transporting beta; minus strand). Cytogenetic location: 13q14.3.
Variant type: single nucleotide variant.
Coding change: c.2290T>C on transcript NM_000053.4 (MANE Select); coding-DNA position 2290, T replaced by C.
Protein change: p.Phe764Leu; replaces phenylalanine 764 with leucine.
Molecular consequence: missense variant. On other transcripts: intron variant (14).
Genome position (GRCh38, 1-based): chr13:51,958,376, A>G on the plus strand (T>C on the coding strand, the complement: ATP7B is on the minus strand). VCF-style: chr13-51958376-A-G. GRCh37 (hg19) VCF-style: chr13-52532512-A-G.
Other names: c.1957T>C, p.Phe653Leu (NM_001243182.2); c.2038T>C, p.Phe680Leu (NM_001330579.2, NM_001406531.1, NM_001406532.1 and 1 more transcripts); c.2290T>C, p.Phe764Leu (NM_001406511.1, NM_001406512.1, NM_001406513.1 and 7 more transcripts); c.2257T>C, p.Phe753Leu (NM_001406514.1); c.2194T>C, p.Phe732Leu (NM_001406517.1, NM_001406518.1); c.2146T>C, p.Phe716Leu (NM_001406520.1, NM_001406521.1, NM_001406522.1 and 1 more transcripts); c.2113T>C, p.Phe705Leu (NM_001406524.1); c.2050T>C, p.Phe684Leu (NM_001406530.1); and 8 more; short protein forms F621L, F648L, F653L, F680L, F684L, F705L, F716L, F732L.
Identifiers: ClinVar variation 2581618 (VCV002581618.1), dbSNP rs2547715111, ClinGen allele CA388021915.
Genomic context (GRCh38, chr13:51,958,376, plus strand): 5'-CCAAGTGTTCCAGCCACCGGCCCAGGGCAATGAACACAAAGAGCATGGGGGGCGTGTCGA[A>G]GAATGTCACAGGGCTCCTCTCCGCCTTCTCAGCCACAGCAACCACCAGGATGACCAGAGA-3'
Protein context (NP_000044.2, residues 754-774): EKAERSPVTF[Phe764Leu]DTPPMLFVFI